The following is an entry in ClinVar:

NM_024757.5(EHMT1):c.1457C>T (p.Ser486Phe)

Gene: EHMT1 (euchromatic histone lysine methyltransferase 1; plus strand). Cytogenetic location: 9q34.3.
Variant type: single nucleotide variant.
Coding change: c.1457C>T on transcript NM_024757.5 (MANE Select); coding-DNA position 1457, C replaced by T.
Protein change: p.Ser486Phe; replaces serine 486 with phenylalanine.
Molecular consequence: missense variant.
Genome position (GRCh38, 1-based): chr9:137,757,967, C>T. VCF-style: chr9-137757967-C-T. GRCh37 (hg19) VCF-style: chr9-140652419-C-T.
Other names: c.1457C>T, p.Ser486Phe (NM_001145527.2, NM_001354611.2); c.1364C>T, p.Ser455Phe (NM_001354259.2, NM_001354612.2); c.1436C>T, p.Ser479Phe (NM_001354263.2); short protein forms S455F, S479F, S486F.
Identifiers: ClinVar variation 3648625 (VCV003648625.2).

ClinVar aggregate classification (germline): Uncertain significance (1 of 4 stars; one submission).

Conditions:
Kleefstra syndrome 1 (KLEFS1). Identifiers: Orphanet 261494, MedGen C0795833, MONDO:0027407, OMIM 610253.

gnomAD v4.1: 1 of 1,614,050 alleles (0.000062%); highest among the groups gnomAD compares: Non-Finnish European, 0.000085%; no homozygotes.

Submission:

Labcorp Genetics (formerly Invitae), Labcorp
Classification: Uncertain significance for Kleefstra syndrome 1. Last evaluated: 2024-04-03. Review status: criteria provided, single submitter. Criteria: Invitae Variant Classification Sherloc (09022015). Collection method: clinical testing. Allele origin: germline.
Comment: This sequence change replaces serine, which is neutral and polar, with phenylalanine, which is neutral and non-polar, at codon 486 of the EHMT1 protein (p.Ser486Phe). This variant is not present in population databases (gnomAD no frequency). This variant has not been reported in the literature in individuals affected with EHMT1-related conditions. An algorithm developed to predict the effect of missense changes on protein structure and function (PolyPhen-2) suggests that this variant is likely to be disruptive. In summary, the available evidence is currently insufficient to determine the role of this variant in disease. Therefore, it has been classified as a Variant of Uncertain Significance.